The following is an entry in ClinVar:

ClinVar aggregate classification (germline): Uncertain significance (1 of 4 stars; one submission).

Conditions:
Inborn genetic diseases. Identifiers: MedGen C0950123, MeSH D030342.

Submission:

Ambry Genetics
Classification: Uncertain significance for Inborn genetic diseases. Last evaluated: 2025-10-15. Review status: criteria provided, single submitter. Criteria: Ambry Variant Classification Scheme 2023. Collection method: clinical testing. Allele origin: germline.
Comment: The p.G321R variant (also known as c.961G>A), located in coding exon 5 of the WT1 gene, results from a G to A substitution at nucleotide position 961. The glycine at codon 321 is replaced by arginine, an amino acid with dissimilar properties. This amino acid position is highly conserved in available vertebrate species. In addition, the in silico prediction for this alteration is inconclusive. Based on the available evidence, the clinical significance of this variant remains unclear.

NM_024426.6(WT1):c.976G>A (p.Gly326Arg)

Gene: WT1 (WT1 transcription factor; minus strand). Cytogenetic location: 11p13.
Variant type: single nucleotide variant.
Coding change: c.976G>A on transcript NM_024426.6 (MANE Select); coding-DNA position 976, G replaced by A.
Protein change: p.Gly326Arg; replaces glycine 326 with arginine.
Molecular consequence: missense variant. On other transcripts: non-coding transcript variant (1), intron variant (8).
Genome position (GRCh38, 1-based): chr11:32,416,530, C>T on the plus strand (G>A on the coding strand, the complement: WT1 is on the minus strand). VCF-style: chr11-32416530-C-T. GRCh37 (hg19) VCF-style: chr11-32438076-C-T.
Other names: c.325G>A, p.Gly109Arg (NM_001198551.2); c.976G>A, p.Gly326Arg (NM_001407044.1, NM_001407046.1, NM_024424.5); c.853G>A, p.Gly285Arg (NM_001407047.1); c.214G>A, p.Gly72Arg (NM_001407051.1); c.757G>A, p.Gly253Arg (NM_001429031.1, NM_001429032.1); c.842+1047G>A (NM_001407050.1); c.965+1047G>A (NM_001407048.1, NM_001407049.1, NM_000378.6 and 1 more transcripts); c.746+1047G>A (NM_001429034.1, NM_001429033.1); and 1 more; short protein forms G109R, G285R, G326R, G253R, G321R, G72R.
Identifiers: ClinVar variation 4634853 (VCV004634853.1).
Genomic context (GRCh38, chr11:32,416,530, plus strand): 5'-TCTCCGCATTGTCCACTCACTTGCTCTGCCCTTCTGTCCATTTCACTGAGCTGGAGCTCC[C>T]AGCAGCAACTCTAGAAAAGAAGAAGAGGTGGGGAGTGGGGAATGGAGCATGCATGGATCT-3'
Protein context (NP_077744.4, residues 316-336): LGATLKGVAA[Gly326Arg]SSSSVKWTEG